The following is an entry in ClinVar:

NM_002063.4(GLRA2):c.931-18TC[10]

Genes: FANCB (FA complementation group B; minus strand), GLRA2 (glycine receptor alpha 2; plus strand). Cytogenetic location: Xp22.2.
Variant type: Microsatellite.
Coding change: c.931-18TC[10] on transcript NM_002063.4 (MANE Select); ten copies in a row of the 2-base unit TC starting at c.931-18; the reference has eight copies in a row; two copies, 4 bases duplicated.
Molecular consequence: intron variant.
Genome position (GRCh38, 1-based): chrX:14,690,704-14,690,707, TCTC duplicated; duplicating any 4 consecutive bases within chrX:14,690,692-14,690,707 gives the same sequence; the position shown is the placement nearest the transcript's 3' end. VCF-style (leftmost placement, unchanged base first): chrX-14690691-G-GTCTC. GRCh37 (hg19) VCF-style: chrX-14708813-G-GTCTC.
Other names: c.664-18TC[10] (NM_001171942.2); c.931-18TC[10] (NM_001118885.2, NM_001118886.2).
Identifiers: ClinVar variation 3054739 (VCV003054739.2), dbSNP rs752610633, ClinGen allele CA10352823.

ClinVar aggregate classification (germline): Likely benign (0 of 4 stars; one submission).

Conditions:
GLRA2-related disorder. Also called: GLRA2-related condition.

Submission:

PreventionGenetics, part of Exact Sciences
Classification: Likely benign for GLRA2-related condition. Last evaluated: 2020-05-26. Review status: no assertion criteria provided. Collection method: clinical testing. Allele origin: germline.
Comment: This variant is classified as likely benign based on ACMG/AMP sequence variant interpretation guidelines (Richards et al. 2015 PMID: 25741868, with internal and published modifications).